The following is an entry in ClinVar:

ClinVar aggregate classification (germline): Uncertain significance. Review status: criteria provided, multiple submitters, no conflicts (2 of 4 stars). 4 submissions from 4 submitters: Uncertain significance (4). Last evaluated 2026-07-07.

Conditions:
RYR1-related disorder. Also called: RYR1-related condition; RYR1-related disorders. Identifiers: MedGen CN239331.
Inborn genetic diseases. Identifiers: MedGen C0950123, MeSH D030342.
Malignant hyperthermia, susceptibility to, 1 (MHS1). Also called: Anesthesia related hyperthermia; Malignant hyperpyrexia; Fulminating hyperpyrexia; Pharmacogenic myopathy; Malignant hyperthermia suceptibility 1; RYR1-Related Malignant Hyperthermia Susceptibility. Identifiers: Orphanet 423, MedGen C2930980, MONDO:0007783, OMIM 145600.

Allele frequency attached by ClinVar (database versions not stated): gnomAD exomes 0.00004 and 0.00002; ExAC 0.00002; gnomAD below 0.00001; TOPMed below 0.00001.
gnomAD v4.1: 32 of 1,614,128 alleles (0.002%); highest among the groups gnomAD compares: South Asian, 0.027%; no homozygotes.

Submissions (4):

Ambry Genetics
Classification: Uncertain significance for Inborn genetic diseases. Last evaluated: 2026-07-07. Review status: criteria provided, single submitter. Criteria: Ambry Variant Classification Scheme 2023. Collection method: clinical testing. Allele origin: germline.
Comment: The p.P4759S variant (also known as c.14275C>T), located in coding exon 98 of the RYR1 gene, results from a C to T substitution at nucleotide position 14275. The proline at codon 4759 is replaced by serine, an amino acid with similar properties. This amino acid position is conserved. In addition, the in silico prediction for this alteration is inconclusive. Based on the available evidence, the clinical significance of this variant remains unclear.

Labcorp Genetics (formerly Invitae), Labcorp
Classification: Uncertain significance for RYR1-related disorder. Last evaluated: 2026-01-19. Review status: criteria provided, single submitter. Criteria: Invitae Variant Classification Sherloc (09022015). Collection method: clinical testing. Allele origin: germline.
Comment: This sequence change replaces proline, which is neutral and non-polar, with serine, which is neutral and polar, at codon 4759 of the RYR1 protein (p.Pro4759Ser). This variant is present in population databases (rs761373177, gnomAD 0.03%). This variant has not been reported in the literature in individuals affected with RYR1-related conditions. ClinVar contains an entry for this variant (Variation ID: 1041548). Invitae Evidence Modeling of protein sequence and biophysical properties (such as structural, functional, and spatial information, amino acid conservation, physicochemical variation, residue mobility, and thermodynamic stability) indicates that this missense variant is not expected to disrupt RYR1 protein function with a negative predictive value of 95%. In summary, the available evidence is currently insufficient to determine the role of this variant in disease. Therefore, it has been classified as a Variant of Uncertain Significance.

Revvity Omics, Revvity
Classification: Uncertain significance. Last evaluated: 2025-05-20. Review status: criteria provided, single submitter. Criteria: ACMG Guidelines, 2015. Collection method: clinical testing. Allele origin: germline.

All of Us Research Program, National Institutes of Health
Classification: Uncertain significance for Malignant hyperthermia, susceptibility to, 1. Last evaluated: 2024-02-22. Review status: criteria provided, single submitter. Criteria: ACMG Guidelines, 2015. Collection method: clinical testing. Allele origin: germline. Inheritance: Autosomal dominant inheritance. Observed: 1 variant allele, 1 heterozygote.
Comment: This missense variant replaces proline with serine at codon 4759 of the RYR1 protein. Computational prediction suggests that this variant may not impact protein structure and function (internally defined REVEL score threshold <= 0.5, PMID: 27666373). To our knowledge, functional studies have not been reported for this variant. This variant has not been reported in individuals affected with RYR1-related disorders in the literature. This variant has been identified in 9/250972 chromosomes in the general population by the Genome Aggregation Database (gnomAD). The available evidence is insufficient to determine the role of this variant in disease conclusively. Therefore, this variant is classified as a Variant of Uncertain Significance.

This study involves interpretation of variants in research participants for the purpose of population health screening. Participant phenotype was not available at the time of variant classification. Additional details can be found in publication PMID: 35346344, PMCID: PMC8962531

NM_000540.3(RYR1):c.14275C>T (p.Pro4759Ser)

Gene: RYR1 (ryanodine receptor 1; plus strand). Cytogenetic location: 19q13.2.
Variant type: single nucleotide variant.
Coding change: c.14275C>T on transcript NM_000540.3 (MANE Select); coding-DNA position 14275, C replaced by T.
Protein change: p.Pro4759Ser; replaces proline 4759 with serine.
Molecular consequence: missense variant.
Genome position (GRCh38, 1-based): chr19:38,578,020, C>T. VCF-style: chr19-38578020-C-T. GRCh37 (hg19) VCF-style: chr19-39068660-C-T.
Other names: c.14275C>T (NM_000540.2); c.14260C>T, p.Pro4754Ser (NM_001042723.2); short protein forms P4759S, P4754S.
Identifiers: ClinVar variation 1041548 (VCV001041548.10), dbSNP rs761373177, ClinGen allele CA061031.
Genomic context (GRCh38, chr19:38,578,020, plus strand): 5'-GCTGAGCTACTGGGCATGGACCTGGCCACACTAGAGATCACAGCCCACAATGAGCGCAAG[C>T]CCAACCCGCCGCCAGGGCTGCTGACCTGGTGAGCCCAGGACACCCCTGCACAGGCCTGGG-3'
Protein context (NP_000531.2, residues 4749-4769): LEITAHNERK[Pro4759Ser]NPPPGLLTWL